The following is an entry in ClinVar:

NM_006267.5(RANBP2):c.1231G>A (p.Val411Ile)

Gene: RANBP2 (RAN binding protein 2; plus strand). Cytogenetic location: 2q13.
Variant type: single nucleotide variant.
Coding change: c.1231G>A on transcript NM_006267.5 (MANE Select); coding-DNA position 1231, G replaced by A.
Protein change: p.Val411Ile; replaces valine 411 with isoleucine.
Molecular consequence: missense variant.
Genome position (GRCh38, 1-based): chr2:108,749,087, G>A. VCF-style: chr2-108749087-G-A. GRCh37 (hg19) VCF-style: chr2-109365543-G-A.
Other names: short protein forms V411I.
Identifiers: ClinVar variation 854206 (VCV000854206.10), dbSNP rs139907041, ClinGen allele CA1822267.

ClinVar aggregate classification (germline): Uncertain significance. Review status: criteria provided, multiple submitters, no conflicts (2 of 4 stars). 2 submissions from 2 submitters: Uncertain significance (2). Last evaluated 2025-05-05.

Conditions:
Familial acute necrotizing encephalopathy (IIAE3). Also called: ENCEPHALOPATHY, ACUTE, INFECTION-INDUCED, SUSCEPTIBILITY TO, 3; Susceptibility to Acute Necrotizing Encephalopathy 1. Identifiers: Orphanet 88619, MedGen C2675556, MONDO:0011953, OMIM 608033.

Allele frequency attached by ClinVar (database versions not stated): gnomAD exomes 0.00002 and 0.00004; ExAC 0.00005; ESP Exome Variant Server 0.00015; gnomAD 0.00015 and 0.00016; TOPMed 0.00021; 1000 Genomes Project 0.00040; 1000 Genomes Project 30x 0.00047.
gnomAD v4.1: 55 of 1,611,974 alleles (0.0034%); highest among the groups gnomAD compares: African/African-American, 0.067%; no homozygotes.

Submissions (2):

Ambry Genetics
Classification: Uncertain significance. Last evaluated: 2025-05-05. Review status: criteria provided, single submitter. Criteria: Ambry Variant Classification Scheme 2023. Collection method: clinical testing. Allele origin: germline.

Labcorp Genetics (formerly Invitae), Labcorp
Classification: Uncertain significance for Familial acute necrotizing encephalopathy. Last evaluated: 2019-04-04. Review status: criteria provided, single submitter. Criteria: Invitae Variant Classification Sherloc (09022015). Collection method: clinical testing. Allele origin: germline.
Comment: This sequence change replaces valine with isoleucine at codon 411 of the RANBP2 protein (p.Val411Ile). The valine residue is weakly conserved and there is a small physicochemical difference between valine and isoleucine. This variant is present in population databases (rs139907041, ExAC 0.05%). This variant has not been reported in the literature in individuals with RANBP2-related conditions. Algorithms developed to predict the effect of missense changes on protein structure and function output the following: SIFT: "Tolerated"; PolyPhen-2: "Benign"; Align-GVGD: "Class C0". The isoleucine amino acid residue is found in multiple mammalian species, suggesting that this missense change does not adversely affect protein function. These predictions have not been confirmed by published functional studies and their clinical significance is uncertain. In summary, the available evidence is currently insufficient to determine the role of this variant in disease. Therefore, it has been classified as a Variant of Uncertain Significance.